The following is an entry in ClinVar:

NM_001103.4(ACTN2):c.1699G>A (p.Glu567Lys)

Gene: ACTN2 (actinin alpha 2; plus strand). Cytogenetic location: 1q43.
Variant type: single nucleotide variant.
Coding change: c.1699G>A on transcript NM_001103.4 (MANE Select); coding-DNA position 1699, G replaced by A.
Protein change: p.Glu567Lys; replaces glutamic acid 567 with lysine.
Molecular consequence: missense variant.
Genome position (GRCh38, 1-based): chr1:236,751,512, G>A. VCF-style: chr1-236751512-G-A. GRCh37 (hg19) VCF-style: chr1-236914812-G-A.
Other names: c.1699G>A (NM_001103.2); c.1699G>A, p.Glu567Lys (NM_001278343.2); c.1075G>A, p.Glu359Lys (NM_001278344.2); short protein forms E567K, E359K.
Identifiers: ClinVar variation 855334 (VCV000855334.12), dbSNP rs1659393136, ClinGen allele CA345385751.

ClinVar aggregate classification (germline): Uncertain significance. Review status: criteria provided, multiple submitters, no conflicts (2 of 4 stars). 6 submissions from 6 submitters: Uncertain significance (4). 2 of the submissions do not count toward it. Last evaluated 2025-09-20.

Conditions:
Dilated cardiomyopathy 1AA (CMD1AA). Also called: CARDIOMYOPATHY, DILATED, 1AA, WITH OR WITHOUT LEFT VENTRICULAR NONCOMPACTION; CARDIOMYOPATHY, FAMILIAL HYPERTROPHIC, 23, WITH OR WITHOUT LEFT VENTRICULAR NONCOMPACTION; Cardiomyopathy, dilated, 1AA, with or without LVNC. Identifiers: Orphanet 154, MedGen C2677338, MONDO:0012808, OMIM 612158.
Myopathy, congenital, with structured cores and z-line abnormalities. Also called: CONGENITAL MYOPATHY 8; MULTIPLE STRUCTURED CORE DISEASE. Identifiers: MedGen C5231445, MONDO:0032852, OMIM 618654.
Myopathy, distal, 6, adult-onset, autosomal dominant. Identifiers: MedGen C5203349, MONDO:0032853, OMIM 618655.
Cardiovascular phenotype. Identifiers: MedGen CN230736.
Primary familial hypertrophic cardiomyopathy (HCM). Identifiers: Orphanet 99739, MedGen C0949658, MeSH D024741, MONDO:0024573. Inheritance: Various modes of inheritance.

Allele frequency attached by ClinVar (database versions not stated): gnomAD exomes 0.00001.
gnomAD v4.1: 11 of 1,614,126 alleles (0.00068%); highest among the groups gnomAD compares: Non-Finnish European, 0.00076%; no homozygotes.

Submissions (6):

Labcorp Genetics (formerly Invitae), Labcorp
Classification: Uncertain significance for Primary familial hypertrophic cardiomyopathy; Dilated cardiomyopathy 1AA. Last evaluated: 2025-09-20. Review status: criteria provided, single submitter. Criteria: Invitae Variant Classification Sherloc (09022015). Collection method: clinical testing. Allele origin: germline.
Comment: This sequence change replaces glutamic acid, which is acidic and polar, with lysine, which is basic and polar, at codon 567 of the ACTN2 protein (p.Glu567Lys). This variant is not present in population databases (gnomAD no frequency). This variant has not been reported in the literature in individuals affected with ACTN2-related conditions. ClinVar contains an entry for this variant (Variation ID: 855334). Invitae Evidence Modeling of protein sequence and biophysical properties (such as structural, functional, and spatial information, amino acid conservation, physicochemical variation, residue mobility, and thermodynamic stability) indicates that this missense variant is not expected to disrupt ACTN2 protein function with a negative predictive value of 80%. In summary, the available evidence is currently insufficient to determine the role of this variant in disease. Therefore, it has been classified as a Variant of Uncertain Significance.

Ambry Genetics
Classification: Uncertain significance for Cardiovascular phenotype. Last evaluated: 2025-08-19. Review status: criteria provided, single submitter. Criteria: Ambry Variant Classification Scheme 2023. Collection method: clinical testing. Allele origin: germline.
Comment: The p.E567K variant (also known as c.1699G>A), located in coding exon 15 of the ACTN2 gene, results from a G to A substitution at nucleotide position 1699. The glutamic acid at codon 567 is replaced by lysine, an amino acid with similar properties. This amino acid position is conserved. In addition, this alteration is predicted to be deleterious by in silico analysis. Based on the available evidence, the clinical significance of this variant remains unclear.

GeneDx
Classification: Uncertain significance. Last evaluated: 2022-12-21. Review status: criteria provided, single submitter. Criteria: GeneDx Variant Classification Process June 2021. Collection method: clinical testing. Allele origin: germline. Affected: yes.
Comment: Has not been previously published as pathogenic or benign to our knowledge; Not observed at significant frequency in large population cohorts (gnomAD); In silico analysis supports that this missense variant does not alter protein structure/function

Fulgent Genetics
Classification: Uncertain significance for Dilated cardiomyopathy 1AA; Myopathy, congenital, with structured cores and z-line abnormalities; Myopathy, distal, 6, adult-onset, autosomal dominant. Last evaluated: 2021-09-10. Review status: criteria provided, single submitter. Criteria: ACMG Guidelines, 2015. Collection method: clinical testing. Allele origin: unknown.

Clinical Genetics DNA and cytogenetics Diagnostics Lab, Erasmus MC, Erasmus Medical Center
Classification: Uncertain significance. Review status: no assertion criteria provided. Collection method: clinical testing. Allele origin: germline. Affected: yes. Study: VKGL Data-share Consensus. Not counted in ClinVar's aggregate classification.

Joint Genome Diagnostic Labs from Nijmegen and Maastricht, Radboudumc and MUMC+
Classification: Uncertain significance. Review status: no assertion criteria provided. Collection method: clinical testing. Allele origin: germline. Affected: yes. Study: VKGL Data-share Consensus. Not counted in ClinVar's aggregate classification.